The following is an entry in ClinVar:

ClinVar aggregate classification (germline): Conflicting classifications of pathogenicity. Review status: criteria provided, conflicting classifications (1 of 4 stars). 6 submissions from 5 submitters: Uncertain significance (4); Benign (1); Likely benign (1). Last evaluated 2024-02-26.

Conditions:
Spinocerebellar ataxia, autosomal recessive, with axonal neuropathy 2 (SCAN2). Also called: Ataxia-ocular apraxia-2; ATAXIA-OCULOMOTOR APRAXIA 2; Ataxia with Oculomotor Apraxia; Ataxia with Oculomotor Apraxia Type 2. Identifiers: Orphanet 64753, MedGen C1853761, MONDO:0018996, OMIM 606002.
Inborn genetic diseases. Identifiers: MedGen C0950123, MeSH D030342.
Amyotrophic lateral sclerosis type 4 (ALS4). Also called: AMYOTROPHIC LATERAL SCLEROSIS 4, JUVENILE; NEURONOPATHY, DISTAL HEREDITARY MOTOR, WITH PYRAMIDAL FEATURES. Identifiers: Orphanet 357043, MedGen C1865409, MONDO:0011223, OMIM 602433.

Allele frequency attached by ClinVar (database versions not stated): gnomAD exomes 0.00006 and 0.00017; ESP Exome Variant Server 0.00008; TOPMed 0.00008; ExAC 0.00009; gnomAD 0.00010 and 0.00011.
gnomAD v4.1: 256 of 1,613,986 alleles (0.016%); highest among the groups gnomAD compares: Non-Finnish European, 0.019%; no homozygotes.

Submissions (6):

Blueprint Genetics
Classification: Uncertain significance. Last evaluated: 2024-02-26. Review status: criteria provided, single submitter. Criteria: ACMG Guidelines, 2015. Collection method: clinical testing. Allele origin: germline.

Labcorp Genetics (formerly Invitae), Labcorp
Classification: Benign for Amyotrophic lateral sclerosis type 4; Spinocerebellar ataxia, autosomal recessive, with axonal neuropathy 2. Last evaluated: 2023-11-07. Review status: criteria provided, single submitter. Criteria: Invitae Variant Classification Sherloc (09022015). Collection method: clinical testing. Allele origin: germline.

MGZ Medical Genetics Center
Classification: Uncertain significance for Amyotrophic lateral sclerosis type 4. Last evaluated: 2021-10-08. Review status: criteria provided, single submitter. Criteria: ACMG Guidelines, 2015. Collection method: clinical testing. Allele origin: germline. Affected: yes. Observed: 1 variant allele.
Comment: ACMG criteria applied: PM2_SUP

Ambry Genetics
Classification: Uncertain significance for Inborn genetic diseases. Last evaluated: 2019-11-06. Review status: criteria provided, single submitter. Criteria: Ambry Variant Classification Scheme 2023. Collection method: clinical testing. Allele origin: germline.
Comment: The p.K1340N variant (also known as c.4020G>T), located in coding exon 8 of the SETX gene, results from a G to T substitution at nucleotide position 4020. The lysine at codon 1340 is replaced by asparagine, an amino acid with similar properties. This amino acid position is highly conserved in available vertebrate species. In addition, this alteration is predicted to be tolerated by in silico analysis. Since supporting evidence is limited at this time, the clinical significance of this alteration remains unclear.

Illumina Laboratory Services, Illumina
Classification: Uncertain significance for Spinocerebellar ataxia, autosomal recessive, with axonal neuropathy 2. Last evaluated: 2018-01-13. Review status: criteria provided, single submitter. Criteria: ICSL Variant Classification Criteria 13 December 2019. Collection method: clinical testing. Allele origin: germline.

Illumina Laboratory Services, Illumina
Classification: Likely benign for Amyotrophic lateral sclerosis type 4. Last evaluated: 2018-01-13. Review status: criteria provided, single submitter. Criteria: ICSL Variant Classification Criteria 13 December 2019. Collection method: clinical testing. Allele origin: germline.
Comment: This variant was observed in the ICSL laboratory as part of a predisposition screen in an ostensibly healthy population. It had not been previously curated by ICSL or reported in the Human Gene Mutation Database (HGMD: prior to June 1st, 2018), and was therefore a candidate for classification through an automated scoring system. Utilizing variant allele frequency, disease prevalence and penetrance estimates, and inheritance mode, an automated score was calculated to assess if this variant is too frequent to cause the disease. Based on the score and internal cut-off values, a variant classified as likely benign is not then subjected to further curation. The score for this variant resulted in a classification of likely benign for this disease.

NM_015046.7(SETX):c.4020G>T (p.Lys1340Asn)

Gene: SETX (senataxin; minus strand). Cytogenetic location: 9q34.13.
Variant type: single nucleotide variant.
Coding change: c.4020G>T on transcript NM_015046.7 (MANE Select); coding-DNA position 4020, G replaced by T.
Protein change: p.Lys1340Asn; replaces lysine 1340 with asparagine.
Molecular consequence: missense variant.
Genome position (GRCh38, 1-based): chr9:132,327,578, C>A on the plus strand (G>T on the coding strand, the complement: SETX is on the minus strand). VCF-style: chr9-132327578-C-A. GRCh37 (hg19) VCF-style: chr9-135202965-C-A.
Other names: c.4020G>T, p.Lys1340Asn (NM_001351527.2, NM_001351528.2); short protein forms K1340N.
Identifiers: ClinVar variation 365356 (VCV000365356.18), dbSNP rs368323660, ClinGen allele CA5297284.